The following is an entry in ClinVar:

NM_000465.4(BARD1):c.270C>T (p.Ala90=)

Gene: BARD1 (BRCA1 associated RING domain 1; minus strand). Cytogenetic location: 2q35.
Variant type: single nucleotide variant.
Coding change: c.270C>T on transcript NM_000465.4 (MANE Select); coding-DNA position 270, C replaced by T.
Protein change: p.Ala90=; no amino-acid change (alanine 90 retained).
Molecular consequence: synonymous variant. On other transcripts: non-coding transcript variant (1), intron variant (2).
Genome position (GRCh38, 1-based): chr2:214,792,391, G>A on the plus strand (C>T on the coding strand, the complement: BARD1 is on the minus strand). VCF-style: chr2-214792391-G-A. GRCh37 (hg19) VCF-style: chr2-215657115-G-A.
Other names: c.213C>T, p.Ala71= (NM_001282543.2); c.270C>T, p.Ala90= (NM_001282549.2); c.158+17021C>T (NM_001282548.2); c.215+4670C>T (NM_001282545.2).
Identifiers: ClinVar variation 3231795 (VCV003231795.2), dbSNP rs1695563204, ClinGen allele CA431142040.

ClinVar aggregate classification (germline): Benign/Likely benign. Review status: criteria provided, multiple submitters, no conflicts (2 of 4 stars). 2 submissions from 2 submitters: Benign (1); Likely benign (1). Last evaluated 2024-07-19.

Conditions:
Hereditary cancer-predisposing syndrome. Also called: Neoplastic Syndromes, Hereditary; Tumor predisposition; Hereditary neoplastic syndrome; Hereditary Cancer Syndrome. Identifiers: Orphanet 140162, MedGen C0027672, MeSH D009386, MONDO:0015356.
Familial cancer of breast. Also called: BREAST CANCER, FAMILIAL; Hereditary breast cancer; hereditary breast carcinoma. Identifiers: Orphanet 227535, MedGen C0346153, MONDO:0016419, OMIM 114480. Disease mechanism: loss of function.

Allele frequency attached by ClinVar (database versions not stated): gnomAD exomes below 0.00001; gnomAD 0.00001.
gnomAD v4.1: 2 of 1,612,214 alleles (0.00012%); highest among the groups gnomAD compares: Admixed American, 0.0017%; no homozygotes.

Submissions (2):

Myriad Genetics, Inc.
Classification: Benign for Familial cancer of breast. Last evaluated: 2024-07-19. Review status: criteria provided, single submitter. Criteria: Myriad Autosomal Dominant, Autosomal Recessive and X-Linked Classification Criteria (2023). Collection method: clinical testing. Allele origin: unknown.
Comment: This variant is considered benign. This variant is a silent/synonymous amino acid change and it is not expected to impact splicing.

Ambry Genetics
Classification: Likely benign for Hereditary cancer-predisposing syndrome. Last evaluated: 2024-03-02. Review status: criteria provided, single submitter. Criteria: Ambry Variant Classification Scheme 2023. Collection method: clinical testing. Allele origin: germline.